The following is an entry in ClinVar:

ClinVar aggregate classification (germline): Benign. Review status: criteria provided, single submitter (1 of 4 stars). 2 submissions from 2 submitters: Benign (1). 1 of the submissions does not count toward it. Last evaluated 2025-04-18.

Conditions:
BNC2-related disorder. Also called: BNC2-related condition.

Allele frequency attached by ClinVar (database versions not stated): ESP Exome Variant Server 0.00008; gnomAD 0.00031; 1000 Genomes Project 0.00200; ExAC 0.00111; 1000 Genomes Project 30x 0.00172; TOPMed 0.00006.
gnomAD v4.1: 776 of 1,614,112 alleles (0.048%); highest among the groups gnomAD compares: South Asian, 0.75%; 9 homozygotes.

Submissions (2):

Labcorp Genetics (formerly Invitae), Labcorp
Classification: Benign. Last evaluated: 2025-04-18. Review status: criteria provided, single submitter. Criteria: Invitae Variant Classification Sherloc (09022015). Collection method: clinical testing. Allele origin: germline.

PreventionGenetics, part of Exact Sciences
Classification: Likely benign for BNC2-related condition. Last evaluated: 2019-04-16. Review status: no assertion criteria provided. Collection method: clinical testing. Allele origin: germline. Not counted in ClinVar's aggregate classification.
Comment: This variant is classified as likely benign based on ACMG/AMP sequence variant interpretation guidelines (Richards et al. 2015 PMID: 25741868, with internal and published modifications).

NM_017637.6(BNC2):c.1948G>A (p.Ala650Thr)

Genes: BNC2 (basonuclin zinc finger protein 2; minus strand), LOC126860585 (MED14-independent group 3 enhancer GRCh37_chr9:16435259-16436458; plus strand). Cytogenetic location: 9p22.3.
Variant type: single nucleotide variant.
Coding change: c.1948G>A on transcript NM_017637.6 (MANE Select); coding-DNA position 1948, G replaced by A.
Protein change: p.Ala650Thr; replaces alanine 650 with threonine.
Molecular consequence: missense variant.
Genome position (GRCh38, 1-based): chr9:16,436,246, C>T on the plus strand (G>A on the coding strand, the complement: BNC2 is on the minus strand). VCF-style: chr9-16436246-C-T. GRCh37 (hg19) VCF-style: chr9-16436244-C-T.
Other names: c.1822G>A, p.Ala608Thr (NM_001317939.2); c.1663G>A, p.Ala555Thr (NM_001317940.2); short protein forms A555T, A608T, A650T.
Identifiers: ClinVar variation 2704281 (VCV002704281.5), dbSNP rs138108118, ClinGen allele CA4995996.